The following is an entry in ClinVar:

ClinVar aggregate classification (germline): Uncertain significance (1 of 4 stars; one submission).

Allele frequency attached by ClinVar (database versions not stated): gnomAD exomes below 0.00001.
gnomAD v4.1: 1 of 1,614,214 alleles (0.000062%); highest among the groups gnomAD compares: East Asian, 0.0022%; no homozygotes.

Submission:

GeneDx
Classification: Uncertain significance. Last evaluated: 2017-03-16. Review status: criteria provided, single submitter. Criteria: GeneDx Variant Classification (06012015). Collection method: clinical testing. Allele origin: germline. Affected: yes.
Comment: A variant of uncertain significance has been identified in the CHRNB2 gene. The Y132H variant has not been published as a pathogenic variant, nor has it been reported as a benign variant to our knowledge. The Y132H variant is not observed in large population cohorts (Lek et al., 2016; 1000 Genomes Consortium et al., 2015; Exome Variant Server). The Y132H variant is a non-conservative amino acid substitution, which is likely to impact secondary protein structure as these residues differ in polarity, charge, size and/or other properties. This substitution occurs at a position that is conserved in mammals. However, this amino acid substitution is not predicted to occur within the transmembrane region of the protein, where the vast majority of pathogenic missense variants have been identified in association with epilepsy (Steinlein et al., 2010). In silico analysis is inconsistent in its predictions as to whether or not the variant is damaging to the protein structure/function. Therefore, based on the currently available information, it is unclear whether this variant is a pathogenic variant or a rare benign variant.

NM_000748.3(CHRNB2):c.394T>C (p.Tyr132His)

Gene: CHRNB2 (cholinergic receptor nicotinic beta 2 subunit; plus strand). Cytogenetic location: 1q21.3.
Variant type: single nucleotide variant.
Coding change: c.394T>C on transcript NM_000748.3 (MANE Select); coding-DNA position 394, T replaced by C.
Protein change: p.Tyr132His; replaces tyrosine 132 with histidine.
Molecular consequence: missense variant.
Genome position (GRCh38, 1-based): chr1:154,571,217, T>C. VCF-style: chr1-154571217-T-C. GRCh37 (hg19) VCF-style: chr1-154543693-T-C.
Other names: short protein forms Y132H.
Identifiers: ClinVar variation 418612 (VCV000418612.2), dbSNP rs1064793323, ClinGen allele CA16616984.
Genomic context (GRCh38, chr1:154,571,217, plus strand): 5'-GGCCAGGGCTGACTGTGCCCATCCTTTGGCAGTGCTGACGGCATGTACGAGGTGTCCTTC[T>C]ATTCCAATGCCGTGGTCTCCTATGATGGCAGCATCTTCTGGCTGCCGCCTGCCATCTACA-3'
Protein context (NP_000739.1, residues 122-142): NADGMYEVSF[Tyr132His]SNAVVSYDGS